The following is an entry in ClinVar:

NM_024675.4(PALB2):c.2154G>C (p.Arg718Ser)

Gene: PALB2 (partner and localizer of BRCA2; minus strand). Cytogenetic location: 16p12.2.
Variant type: single nucleotide variant.
Coding change: c.2154G>C on transcript NM_024675.4 (MANE Select); coding-DNA position 2154, G replaced by C.
Protein change: p.Arg718Ser; replaces arginine 718 with serine.
Molecular consequence: missense variant. On other transcripts: intron variant (1).
Genome position (GRCh38, 1-based): chr16:23,630,000, C>G on the plus strand (G>C on the coding strand, the complement: PALB2 is on the minus strand). VCF-style: chr16-23630000-C-G. GRCh37 (hg19) VCF-style: chr16-23641321-C-G.
Other names: c.2094G>C, p.Arg698Ser (NM_001407296.1); c.2154G>C, p.Arg718Ser (NM_001407297.1, NM_001407298.1, NM_001407299.1 and 3 more transcripts); c.1269G>C, p.Arg423Ser (NM_001407304.1, NM_001407305.1, NM_001407306.1 and 5 more transcripts); c.366G>C, p.Arg122Ser (NM_001407312.1, NM_001407313.1); c.49-725G>C (NM_001407314.1); short protein forms R698S, R718S, R423S, R122S.
Identifiers: ClinVar variation 3927437 (VCV003927437.1).

ClinVar aggregate classification (germline): Uncertain significance (1 of 4 stars; one submission).

Conditions:
Hereditary cancer-predisposing syndrome. Also called: Hereditary Cancer Syndrome; Hereditary neoplastic syndrome; Neoplastic Syndromes, Hereditary; Tumor predisposition. Identifiers: Orphanet 140162, MedGen C0027672, MeSH D009386, MONDO:0015356.

Submission:

Ambry Genetics
Classification: Uncertain significance for Hereditary cancer-predisposing syndrome. Last evaluated: 2025-04-20. Review status: criteria provided, single submitter. Criteria: Ambry Variant Classification Scheme 2023. Collection method: clinical testing. Allele origin: germline.
Comment: The p.R718S variant (also known as c.2154G>C), located in coding exon 5 of the PALB2 gene, results from a G to C substitution at nucleotide position 2154. The arginine at codon 718 is replaced by serine, an amino acid with dissimilar properties. This amino acid position is conserved. In addition, this alteration is predicted to be tolerated by in silico analysis. Based on the available evidence, the clinical significance of this variant remains unclear.